The following is an entry in ClinVar:

NM_001318734.2(KLC2):c.1040A>G (p.Tyr347Cys)

Genes: KLC2 (kinesin light chain 2; plus strand), KLC2-AS1 (KLC2 antisense RNA 1; minus strand). Cytogenetic location: 11q13.2.
Variant type: single nucleotide variant.
Coding change: c.1040A>G on transcript NM_001318734.2 (MANE Select); coding-DNA position 1040, A replaced by G.
Protein change: p.Tyr347Cys; replaces tyrosine 347 with cysteine.
Molecular consequence: missense variant.
Genome position (GRCh38, 1-based): chr11:66,264,143, A>G. VCF-style: chr11-66264143-A-G. GRCh37 (hg19) VCF-style: chr11-66031614-A-G.
Other names: c.809A>G, p.Tyr270Cys (NM_001134774.2); c.1040A>G, p.Tyr347Cys (NM_001134775.2, NM_001134776.2, NM_022822.3); short protein forms Y270C, Y347C.
Identifiers: ClinVar variation 1471590 (VCV001471590.6), dbSNP rs2134826844, ClinGen allele CA381352470.

ClinVar aggregate classification (germline): Uncertain significance (1 of 4 stars; one submission).

Submission:

Labcorp Genetics (formerly Invitae), Labcorp
Classification: Uncertain significance. Last evaluated: 2021-08-21. Review status: criteria provided, single submitter. Criteria: Invitae Variant Classification Sherloc (09022015). Collection method: clinical testing. Allele origin: germline.
Comment: This sequence change replaces tyrosine with cysteine at codon 347 of the KLC2 protein (p.Tyr347Cys). The tyrosine residue is highly conserved and there is a large physicochemical difference between tyrosine and cysteine. This variant is not present in population databases (ExAC no frequency). This variant has not been reported in the literature in individuals affected with KLC2-related conditions. Algorithms developed to predict the effect of missense changes on protein structure and function (SIFT, PolyPhen-2, Align-GVGD) all suggest that this variant is likely to be disruptive. In summary, the available evidence is currently insufficient to determine the role of this variant in disease. Therefore, it has been classified as a Variant of Uncertain Significance.